The following is an entry in ClinVar:

NM_001267550.2(TTN):c.1313T>A (p.Val438Glu)

Gene: TTN (titin; minus strand). Cytogenetic location: 2q31.2.
Variant type: single nucleotide variant.
Coding change: c.1313T>A on transcript NM_001267550.2 (MANE Select); coding-DNA position 1313, T replaced by A.
Protein change: p.Val438Glu; replaces valine 438 with glutamic acid.
Molecular consequence: missense variant.
Genome position (GRCh38, 1-based): chr2:178,794,484, A>T on the plus strand (T>A on the coding strand, the complement: TTN is on the minus strand). VCF-style: chr2-178794484-A-T. GRCh37 (hg19) VCF-style: chr2-179659211-A-T.
Other names: c.1313T>A, p.Val438Glu (NM_001256850.1, NM_003319.4, NM_133378.4 and 3 more transcripts); short protein forms V438E.
Identifiers: ClinVar variation 1769727 (VCV001769727.2), dbSNP rs1574921396, ClinGen allele CA349516195.

ClinVar aggregate classification (germline): Uncertain significance (1 of 4 stars; one submission).

Conditions:
Cardiovascular phenotype. Identifiers: MedGen CN230736.

Allele frequency attached by ClinVar (database versions not stated): gnomAD 0.00001.
gnomAD v4.1: 3 of 1,613,710 alleles (0.00019%); highest among the groups gnomAD compares: African/African-American, 0.0013%; no homozygotes.

Submission:

Ambry Genetics
Classification: Uncertain significance for Cardiovascular phenotype. Last evaluated: 2020-03-18. Review status: criteria provided, single submitter. Criteria: Ambry Variant Classification Scheme 2023. Collection method: clinical testing. Allele origin: germline.
Comment: The p.V438E variant (also known as c.1313T>A), located in coding exon 7 of the TTN gene, results from a T to A substitution at nucleotide position 1313. The valine at codon 438 is replaced by glutamic acid, an amino acid with dissimilar properties. This amino acid position is well conserved in available vertebrate species. In addition, the in silico prediction for this alteration is inconclusive. Since supporting evidence is limited at this time, the clinical significance of this alteration remains unclear.